The following is an entry in ClinVar:

ClinVar aggregate classification (germline): Likely benign (0 of 4 stars; one submission).

Conditions:
DIP2B-related disorder. Also called: DIP2B-related condition.

Allele frequency attached by ClinVar (database versions not stated): gnomAD exomes below 0.00001; ExAC 0.00001; gnomAD 0.00004; TOPMed 0.00005.
gnomAD v4.1: 11 of 1,612,694 alleles (0.00068%); highest among the groups gnomAD compares: African/African-American, 0.015%; no homozygotes.

Submission:

PreventionGenetics, part of Exact Sciences
Classification: Likely benign for DIP2B-related condition. Last evaluated: 2019-06-04. Review status: no assertion criteria provided. Collection method: clinical testing. Allele origin: germline.
Comment: This variant is classified as likely benign based on ACMG/AMP sequence variant interpretation guidelines (Richards et al. 2015 PMID: 25741868, with internal and published modifications).

NM_173602.3(DIP2B):c.2067C>A (p.Ala689=)

Gene: DIP2B (disco interacting protein 2 homolog B; plus strand). Cytogenetic location: 12q13.12.
Variant type: single nucleotide variant.
Coding change: c.2067C>A on transcript NM_173602.3 (MANE Select); coding-DNA position 2067, C replaced by A.
Protein change: p.Ala689=; no amino-acid change (alanine 689 retained).
Molecular consequence: synonymous variant.
Genome position (GRCh38, 1-based): chr12:50,698,346, C>A. VCF-style: chr12-50698346-C-A. GRCh37 (hg19) VCF-style: chr12-51092129-C-A.
Identifiers: ClinVar variation 3044174 (VCV003044174.2), dbSNP rs764498936, ClinGen allele CA6564728.